The following is an entry in ClinVar:

ClinVar aggregate classification (germline): Uncertain significance. Review status: criteria provided, multiple submitters, no conflicts (2 of 4 stars). 2 submissions from 2 submitters: Uncertain significance (2). Last evaluated 2024-07-01.

Conditions:
Deficiency of alpha-mannosidase (MANSA). Also called: LYSOSOMAL ALPHA-D-MANNOSIDASE DEFICIENCY; Mannosidosis, alpha-, types I and II; Alpha-Mannosidosis. Identifiers: Orphanet 61, MedGen C0024748, MONDO:0009561, OMIM 248500.

Allele frequency attached by ClinVar (database versions not stated): ExAC 0.00001; gnomAD 0.00001; TOPMed 0.00001.
gnomAD v4.1: 9 of 1,608,564 alleles (0.00056%); highest among the groups gnomAD compares: Admixed American, 0.0084%; no homozygotes.

Submissions (2):

CeGaT Center for Human Genetics Tuebingen
Classification: Uncertain significance. Last evaluated: 2024-07-01. Review status: criteria provided, single submitter. Criteria: CeGaT Center For Human Genetics Tuebingen Variant Classification Criteria Version 2. Collection method: clinical testing. Allele origin: germline. Affected: yes. Observed: 1 variant allele.
Comment: MAN2B1: PM2, BP4

Labcorp Genetics (formerly Invitae), Labcorp
Classification: Uncertain significance for Deficiency of alpha-mannosidase. Last evaluated: 2022-05-17. Review status: criteria provided, single submitter. Criteria: Invitae Variant Classification Sherloc (09022015). Collection method: clinical testing. Allele origin: germline.
Comment: This sequence change replaces isoleucine, which is neutral and non-polar, with serine, which is neutral and polar, at codon 596 of the MAN2B1 protein (p.Ile596Ser). This variant is present in population databases (rs769653813, gnomAD 0.009%). This variant has not been reported in the literature in individuals affected with MAN2B1-related conditions. Algorithms developed to predict the effect of missense changes on protein structure and function output the following: SIFT: "Tolerated"; PolyPhen-2: "Benign"; Align-GVGD: "Class C0". The serine amino acid residue is found in multiple mammalian species, which suggests that this missense change does not adversely affect protein function. In summary, the available evidence is currently insufficient to determine the role of this variant in disease. Therefore, it has been classified as a Variant of Uncertain Significance.

NM_000528.4(MAN2B1):c.1787T>G (p.Ile596Ser)

Gene: MAN2B1 (mannosidase alpha class 2B member 1; minus strand). Cytogenetic location: 19p13.13.
Variant type: single nucleotide variant.
Coding change: c.1787T>G on transcript NM_000528.4 (MANE Select); coding-DNA position 1787, T replaced by G.
Protein change: p.Ile596Ser; replaces isoleucine 596 with serine.
Molecular consequence: missense variant.
Genome position (GRCh38, 1-based): chr19:12,655,737, A>C on the plus strand (T>G on the coding strand, the complement: MAN2B1 is on the minus strand). VCF-style: chr19-12655737-A-C. GRCh37 (hg19) VCF-style: chr19-12766551-A-C.
Other names: c.1784T>G, p.Ile595Ser (NM_001173498.2); short protein forms I595S, I596S.
Identifiers: ClinVar variation 2140175 (VCV002140175.17), dbSNP rs769653813, ClinGen allele CA9226326.